The following is an entry in ClinVar:

NM_007294.4(BRCA1):c.5074+3A>C

Gene: BRCA1 (BRCA1 DNA repair associated; minus strand). Cytogenetic location: 17q21.31.
Variant type: single nucleotide variant.
Coding change: c.5074+3A>C on transcript NM_007294.4 (MANE Select); 3 bases into the intron after coding-DNA position 5074, A replaced by C.
Molecular consequence: intron variant.
Genome position (GRCh38, 1-based): chr17:43,067,605, T>G on the plus strand (A>C on the coding strand, the complement: BRCA1 is on the minus strand). VCF-style: chr17-43067605-T-G. GRCh37 (hg19) VCF-style: chr17-41219622-T-G.
Other names: c.1621+3A>C (NM_001408458.1, NM_001408461.1, NM_001408464.1 and 7 more transcripts); c.4183+3A>C (NM_001407967.1); c.4693+3A>C (NM_001407959.1); c.4807+3A>C (NM_001407931.1, NM_001407932.1, NM_001407928.1 and 4 more transcripts); c.4930+3A>C (NM_001407747.1, NM_001407745.1, NM_001407737.1 and 21 more transcripts); c.4690+3A>C (NM_001407962.1, NM_001407960.1); c.1261+3A>C (NM_001408512.1); c.1384+3A>C (NM_001408510.1); and 71 more.
Identifiers: ClinVar variation 867601 (VCV000867601.3), dbSNP rs80358181, ClinGen allele CA916080160.

Conditions:
Breast-ovarian cancer, familial, susceptibility to, 1 (BROVCA1). Also called: BRCA1 Hereditary Breast and Ovarian Cancer; OVARIAN CANCER, SUSCEPTIBILITY TO. Identifiers: Orphanet 145, MedGen C2676676, MONDO:0011450, OMIM 604370. Disease mechanism: loss of function.

Submission:

Brotman Baty Institute, University of Washington
No classification provided (evidence only). Condition: Breast-ovarian cancer, familial 1. Review status: no classification provided. Collection method: in vitro. Allele origin: not applicable. Functional consequence: function_uncertain_variant.
ClinVar note: "not provided" was previously submitted as the classification for the variant. However, the classification appeared to be based only on an observation of functional data so it was converted to no classification on 2025-07-30.